The following is an entry in ClinVar:

ClinVar aggregate classification (germline): Likely pathogenic. Review status: criteria provided, multiple submitters, no conflicts (2 of 4 stars). 3 submissions from 3 submitters: Likely pathogenic (3). Last evaluated 2025-09-17.

Conditions:
Hereditary retinoblastoma. Identifiers: Orphanet 357027, MedGen C0751483, MONDO:0018160.
Retinoblastoma (RB1). Also called: RETINOBLASTOMA, SOMATIC. Identifiers: Orphanet 790, MedGen C0035335, MeSH D012175, MONDO:0008380, OMIM 180200, HP:0009919. Disease mechanism: loss of function. Inheritance: Both sporadic and heritable forms are tested..

Submissions (3):

Ramesar Group, Division of Human Genetics, Institute of Infectious Diseases and Molecular Medicine, UCT/MRC Genomic and Precision Medicine Research Unit, University of Cape Town
Classification: Likely pathogenic for Hereditary retinoblastoma. Last evaluated: 2025-09-17. Review status: criteria provided, single submitter. Criteria: ACMG Guidelines, 2015. Collection method: research. Allele origin: germline. Affected: yes. Observed: 1 variant allele.
Comment: PS4_Moderate: Prevalence of variant in affected individuals is significantly increased compared to controls (ClinVar ID: 126799) PM2: Absent from gnomAD and ExAC PP3: SpliceAI informs an acceptor loss and acceptor gain score of 0.98 and 1.00, respectively PP4: Patient presents with bilateral retinoblastoma PP5: Reported as pathogenic in ClinVar

Genetic Diagnostic Laboratory, University of Pennsylvania School of Medicine
Classification: Likely pathogenic for Retinoblastoma. Last evaluated: 2024-05-20. Review status: criteria provided, single submitter. Criteria: ACMG Guidelines, 2015. Collection method: clinical testing. Allele origin: germline. Affected: yes. Observed: 1 variant allele.
Comment: Case and Pedigree Information: BILATERAL CASES:1, UNILATERAL CASES:0, TOTAL CASES:1, PEDIGREES:1. ACMG Codes Applied:PM2, PP3

Department of Pathology and Laboratory Medicine, Sinai Health System
Classification: Likely pathogenic for retinoblastoma. Review status: criteria provided, single submitter. Criteria: ACMG Guidelines, 2015. Collection method: clinical testing. Allele origin: germline.

NM_000321.3(RB1):c.2212-13T>A

Gene: RB1 (RB transcriptional corepressor 1; plus strand). Cytogenetic location: 13q14.2.
Variant type: single nucleotide variant.
Coding change: c.2212-13T>A on transcript NM_000321.3 (MANE Select); 13 bases into the intron before coding-DNA position 2212, T replaced by A.
Molecular consequence: intron variant.
Genome position (GRCh38, 1-based): chr13:48,464,985, T>A. VCF-style: chr13-48464985-T-A. GRCh37 (hg19) VCF-style: chr13-49039121-T-A.
Other names: L11910:g.161984T>A.
Identifiers: ClinVar variation 126799 (VCV000126799.4), dbSNP rs2138344431, ClinGen allele CA2580087662.